The following is an entry in ClinVar:

NM_018418.5(SPATA7):c.1082+2del

Gene: SPATA7 (spermatogenesis associated 7; plus strand). Cytogenetic location: 14q31.3.
Variant type: Deletion.
Coding change: c.1082+2del on transcript NM_018418.5 (MANE Select); the canonical splice donor site of the intron after coding-DNA position 1082, one base deleted (T; older notation c.1082+2delT).
Molecular consequence: splice donor variant.
Genome position (GRCh38, 1-based): chr14:88,431,227, T deleted. VCF-style (leftmost placement, unchanged base first): chr14-88431226-GT-G. GRCh37 (hg19) VCF-style: chr14-88897570-GT-G.
Other names: c.986+2del (NM_001040428.4).
Identifiers: ClinVar variation 2023956 (VCV002023956.4), dbSNP rs2504262624, ClinGen allele CA2580088885.
Genomic context (GRCh38, chr14:88,431,226, plus strand): 5'-TTCTAGGGCAATGTGTCAGTATTCCCTGAAGCCCCCTTCAACTCGTAAAATCTACTCTGA[GT>G]AAGATCTTTTTTAAGTCTTCGTTTTGCATAGTGGAATCAAGGATTAAGAATCAAAGAAAC-3'

ClinVar aggregate classification (germline): Likely pathogenic (1 of 4 stars; one submission).

Conditions:
Leber congenital amaurosis 3 (LCA3). Also called: SPATA7-Related Retinitis Pigmentosa. Identifiers: MedGen C1858677, MONDO:0011415, OMIM 604232.

Submission:

Labcorp Genetics (formerly Invitae), Labcorp
Classification: Likely pathogenic for Leber congenital amaurosis 3. Last evaluated: 2022-08-13. Review status: criteria provided, single submitter. Criteria: Invitae Variant Classification Sherloc (09022015). Collection method: clinical testing. Allele origin: germline.
Comment: This variant is not present in population databases (gnomAD no frequency). This variant has not been reported in the literature in individuals affected with SPATA7-related conditions. Algorithms developed to predict the effect of sequence changes on RNA splicing suggest that this variant may disrupt the consensus splice site. In summary, the currently available evidence indicates that the variant is pathogenic, but additional data are needed to prove that conclusively. Therefore, this variant has been classified as Likely Pathogenic. This sequence change affects a splice site in intron 9 of the SPATA7 gene. It is expected to disrupt RNA splicing. Variants that disrupt the donor or acceptor splice site typically lead to a loss of protein function (PMID: 16199547), and loss-of-function variants in SPATA7 are known to be pathogenic (PMID: 19268277, 22334370, 23847139, 26047050, 26261414).

Literature cited by the submitters: PubMed 16199547; PubMed 19268277; PubMed 22334370; PubMed 23847139; PubMed 26047050; PubMed 26261414.